The following is an entry in ClinVar:

ClinVar aggregate classification (germline): Conflicting classifications of pathogenicity. Review status: criteria provided, conflicting classifications (1 of 4 stars). 3 submissions from 3 submitters: Likely pathogenic (1); Uncertain significance (1). 1 of the submissions does not count toward it. Last evaluated 2025-11-16.

Conditions:
Myopathy, centronuclear, 2 (CNM2). Also called: MYOTUBULAR MYOPATHY, AUTOSOMAL RECESSIVE. Identifiers: Orphanet 169186, MedGen CN031787, MONDO:0009709, OMIM 255200.

Allele frequency attached by ClinVar (database versions not stated): gnomAD exomes below 0.00001; TOPMed below 0.00001.
gnomAD v4.1: 5 of 1,614,190 alleles (0.00031%); highest among the groups gnomAD compares: South Asian, 0.0011%; no homozygotes.

Submissions (3):

Labcorp Genetics (formerly Invitae), Labcorp
Classification: Uncertain significance for Myopathy, centronuclear, 2. Last evaluated: 2025-11-16. Review status: criteria provided, single submitter. Criteria: Invitae Variant Classification Sherloc (09022015). Collection method: clinical testing. Allele origin: germline.
Comment: This sequence change replaces arginine, which is basic and polar, with glutamine, which is neutral and polar, at codon 154 of the BIN1 protein (p.Arg154Gln). This variant is not present in population databases (gnomAD no frequency). This missense change has been observed in individual(s) with centronuclear myopathy (PMID: 20142620). ClinVar contains an entry for this variant (Variation ID: 8300). Invitae Evidence Modeling of protein sequence and biophysical properties (such as structural, functional, and spatial information, amino acid conservation, physicochemical variation, residue mobility, and thermodynamic stability) indicates that this missense variant is expected to disrupt BIN1 protein function with a positive predictive value of 80%. Experimental studies have shown that this missense change affects BIN1 function (PMID: 24755653, 25262827). In summary, the available evidence is currently insufficient to determine the role of this variant in disease. Therefore, it has been classified as a Variant of Uncertain Significance.

SIB Swiss Institute of Bioinformatics
Classification: Likely pathogenic for Myopathy, centronuclear, 2. Last evaluated: 2019-01-08. Review status: criteria provided, single submitter. Criteria: ACMG Guidelines, 2015. Collection method: curation. Allele origin: unknown.
Comment: This variant is interpreted as a Likely pathogenic for Myopathy, centronuclear, 2 autosomal recessive. The following ACMG Tag(s) were applied: PM2 : Absent from controls (or at extremely low frequency if recessive) in Exome Sequencing Project, 1000 Genomes Project, or Exome Aggregation Consortium. PS3 : Well-established functional studies show a deleterious effect (PMID:24755653). PP3 : Multiple lines of computational evidence support a deleterious effect on the gene or gene product. PM1 : Located in a mutational hot spot and/or critical and well-established functional domain (e.g., active site of an enzyme) without benign variation.

OMIM
Classification: Pathogenic for MYOPATHY, CENTRONUCLEAR, 2. Last evaluated: 2010-02-09. Review status: no assertion criteria provided. Collection method: literature only. Allele origin: germline. Not counted in ClinVar's aggregate classification.

Literature cited by the submitters: PubMed 20142620 (cited by 3 submitters); PubMed 24755653 (cited by Labcorp Genetics (formerly Invitae), Labcorp and SIB Swiss Institute of Bioinformatics); PubMed 25262827 (cited by Labcorp Genetics (formerly Invitae), Labcorp).

NM_139343.3(BIN1):c.461G>A (p.Arg154Gln)

Gene: BIN1 (bridging integrator 1; minus strand). Cytogenetic location: 2q14.3.
Variant type: single nucleotide variant.
Coding change: c.461G>A on transcript NM_139343.3 (MANE Select); coding-DNA position 461, G replaced by A.
Protein change: p.Arg154Gln; replaces arginine 154 with glutamine.
Molecular consequence: missense variant.
Genome position (GRCh38, 1-based): chr2:127,068,982, C>T on the plus strand (G>A on the coding strand, the complement: BIN1 is on the minus strand). VCF-style: chr2-127068982-C-T. GRCh37 (hg19) VCF-style: chr2-127826558-C-T.
Other names: c.461G>A, p.Arg154Gln (NM_001320632.2, NM_001320633.2, NM_001320640.2 and 10 more transcripts); c.389G>A, p.Arg130Gln (NM_001320634.1); c.380G>A, p.Arg127Gln (NM_001320642.1); short protein forms R154Q, R127Q, R130Q.
Identifiers: ClinVar variation 8300 (VCV000008300.13), dbSNP rs267606681, ClinGen allele CA119462.